The following is an entry in ClinVar:

ClinVar aggregate classification (germline): Likely benign. Review status: criteria provided, multiple submitters, no conflicts (2 of 4 stars). 3 submissions from 3 submitters: Likely benign (3). Last evaluated 2026-01-06.

Conditions:
Immunodeficiency 132A. Also called: Herpes simplex encephalitis, susceptibility to, 3. Identifiers: Orphanet 1930, MedGen C3553868, MONDO:0013920, OMIM 614849.

Allele frequency attached by ClinVar (database versions not stated): gnomAD 0.00002; TOPMed 0.00001; gnomAD exomes 0.00002; ExAC 0.00003.
gnomAD v4.1: 28 of 1,612,982 alleles (0.0017%); highest among the groups gnomAD compares: Non-Finnish European, 0.0022%; no homozygotes.

Submissions (3):

Labcorp Genetics (formerly Invitae), Labcorp
Classification: Likely benign for Immunodeficiency 132A. Last evaluated: 2026-01-06. Review status: criteria provided, single submitter. Criteria: Invitae Variant Classification Sherloc (09022015). Collection method: clinical testing. Allele origin: germline.

CeGaT Center for Human Genetics Tuebingen
Classification: Likely benign. Last evaluated: 2025-08-01. Review status: criteria provided, single submitter. Criteria: CeGaT Center For Human Genetics Tuebingen Variant Classification Criteria Version 2. Collection method: clinical testing. Allele origin: germline. Affected: yes. Observed: 1 variant allele.
Comment: TRAF3: BP4

Blueprint Genetics
Classification: Likely benign. Last evaluated: 2024-11-26. Review status: criteria provided, single submitter. Criteria: ACMG Guidelines, 2015. Collection method: clinical testing. Allele origin: germline.

NM_145725.3(TRAF3):c.1665T>C (p.Phe555=)

Gene: TRAF3 (TNF receptor associated factor 3; plus strand). Cytogenetic location: 14q32.32.
Variant type: single nucleotide variant.
Coding change: c.1665T>C on transcript NM_145725.3 (MANE Select); coding-DNA position 1665, T replaced by C.
Protein change: p.Phe555=; no amino-acid change (phenylalanine 555 retained).
Molecular consequence: synonymous variant.
Genome position (GRCh38, 1-based): chr14:102,905,742, T>C. VCF-style: chr14-102905742-T-C. GRCh37 (hg19) VCF-style: chr14-103372079-T-C.
Other names: c.1416T>C, p.Phe472= (NM_001199427.2); c.1524T>C, p.Phe508= (NM_001385142.1); c.1584T>C, p.Phe528= (NM_001385143.1); c.1665T>C, p.Phe555= (NM_003300.4); c.1590T>C, p.Phe530= (NM_145726.3).
Identifiers: ClinVar variation 1903991 (VCV001903991.14), dbSNP rs746588109, ClinGen allele CA7359635.